The following is an entry in ClinVar:

NM_000384.3(APOB):c.10571A>C (p.Lys3524Thr)

Gene: APOB (apolipoprotein B; minus strand). Cytogenetic location: 2p24.1.
Variant type: single nucleotide variant.
Coding change: c.10571A>C on transcript NM_000384.3 (MANE Select); coding-DNA position 10571, A replaced by C.
Protein change: p.Lys3524Thr; replaces lysine 3524 with threonine.
Molecular consequence: missense variant.
Genome position (GRCh38, 1-based): chr2:21,006,297, T>G on the plus strand (A>C on the coding strand, the complement: APOB is on the minus strand). VCF-style: chr2-21006297-T-G. GRCh37 (hg19) VCF-style: chr2-21229169-T-G.
Other names: short protein forms K3524T.
Identifiers: ClinVar variation 477790 (VCV000477790.14), dbSNP rs750035232, ClinGen allele CA044078.
Genomic context (GRCh38, chr2:21,006,297, plus strand): 5'-AGGTTCCAGATATCATCAATTTTGGAAGTGCCCTGCAGCTTCACTGAAGACCGTGTGCTC[T>G]TGGAATTCAAGTAAGTGTTGGCCTCACTAGCAATAGTTCCTGAATATTCCCGAGAAAGAA-3'
Protein context (NP_000375.3, residues 3514-3534): ASEANTYLNS[Lys3524Thr]STRSSVKLQG

ClinVar aggregate classification (germline): Conflicting classifications of pathogenicity. Review status: criteria provided, conflicting classifications (1 of 4 stars). 5 submissions from 5 submitters: Likely pathogenic (1); Uncertain significance (4). Last evaluated 2026-09-23.

Conditions:
Cardiovascular phenotype. Identifiers: MedGen CN230736.
Familial hypobetalipoproteinemia 1. Also called: APOB-Related Familial Hypobetalipoproteinemia; Hypobetalipoproteinemia, normotriglyceridemic; Acanthocytosis with hypobetalipoproteinemia. Identifiers: MedGen C4551990, MONDO:0014252, OMIM 615558.
Hypercholesterolemia, autosomal dominant, type B (FHCL2). Also called: Familial Hypercholesterolemia Type B; APOLIPOPROTEIN B-100, FAMILIAL DEFECTIVE; APOLIPOPROTEIN B-100, FAMILIAL LIGAND-DEFECTIVE; HYPERCHOLESTEROLEMIA, FAMILIAL, DUE TO LIGAND-DEFECTIVE APOLIPOPROTEIN B; Familial hypercholesterolemia 2; APOB-Related Familial Hypercholesterolemia, Autosomal Dominant. Identifiers: MedGen C1704417, MONDO:0007751, OMIM 144010.
Familial hypercholesterolemia. Also called: Familial hypercholesterolemias; Familial hypercholesterolaemia. Identifiers: MedGen C0020445, MONDO:0005439.

Allele frequency attached by ClinVar (database versions not stated): gnomAD exomes below 0.00001; ExAC 0.00001.
gnomAD v4.1: 15 of 1,614,096 alleles (0.00093%); highest among the groups gnomAD compares: Non-Finnish European, 0.0013%; no homozygotes.

Submissions (5):

Genetics Laboratory, Great Ormond Street Hospital NHS Foundation Trust, North Thames Genomic Laboratory Hub
Classification: Likely pathogenic for Familial hypercholesterolaemia. Last evaluated: 2026-09-23. Review status: criteria provided, single submitter. Criteria: ACGS Best Practice Guidelines for Variant Classification in Rare Disease 2024 v1.2. Collection method: clinical testing. Allele origin: germline. Affected: yes.
Comment: PS4_strong, PM2_supporting, PM1_supporting, PP1_supporting

Cambridge Genomics Laboratory, East Genomic Laboratory Hub, NHS Genomic Medicine Service
Classification: Uncertain significance for Familial hypercholesterolaemia. Last evaluated: 2026-07-01. Review status: criteria provided, single submitter. Criteria: ACGS Best Practice Guidelines for Variant Classification in Rare Disease 2020. Collection method: clinical testing. Allele origin: germline. Affected: yes.
Comment: PM2_Supporting,PP3

Ambry Genetics
Classification: Uncertain significance for Cardiovascular phenotype. Last evaluated: 2025-01-30. Review status: criteria provided, single submitter. Criteria: Ambry Variant Classification Scheme 2023. Collection method: clinical testing. Allele origin: germline.
Comment: The p.K3524T variant (also known as c.10571A>C), located in coding exon 26 of the APOB gene, results from an A to C substitution at nucleotide position 10571. The lysine at codon 3524 is replaced by threonine, an amino acid with similar properties. This alteration has been reported in individuals with familial hypercholesterolemia (FH) (Ambry internal data). This amino acid position is not well conserved in available vertebrate species. In addition, the in silico prediction for this alteration is inconclusive. Since supporting evidence is limited at this time, the clinical significance of this alteration remains unclear.

Labcorp Genetics (formerly Invitae), Labcorp
Classification: Uncertain significance for Familial hypobetalipoproteinemia 1; Hypercholesterolemia, autosomal dominant, type B. Last evaluated: 2022-10-04. Review status: criteria provided, single submitter. Criteria: Invitae Variant Classification Sherloc (09022015). Collection method: clinical testing. Allele origin: germline.
Comment: This sequence change replaces lysine, which is basic and polar, with threonine, which is neutral and polar, at codon 3524 of the APOB protein (p.Lys3524Thr). This variant is present in population databases (rs750035232, gnomAD 0.0009%). This missense change has been observed in individual(s) with clinical features of APOB-related conditions (Invitae). ClinVar contains an entry for this variant (Variation ID: 477790). Advanced modeling of protein sequence and biophysical properties (such as structural, functional, and spatial information, amino acid conservation, physicochemical variation, residue mobility, and thermodynamic stability) has been performed at Invitae for this missense variant, however the output from this modeling did not meet the statistical confidence thresholds required to predict the impact of this variant on APOB protein function. In summary, the available evidence is currently insufficient to determine the role of this variant in disease. Therefore, it has been classified as a Variant of Uncertain Significance.

Fulgent Genetics
Classification: Uncertain significance for Hypercholesterolemia, autosomal dominant, type B; Familial hypobetalipoproteinemia 1. Last evaluated: 2021-11-09. Review status: criteria provided, single submitter. Criteria: ACMG Guidelines, 2015. Collection method: clinical testing. Allele origin: unknown.